The following is an entry in ClinVar:

NM_004260.4(RECQL4):c.682C>A (p.Leu228Ile)

Gene: RECQL4 (RecQ like helicase 4; minus strand). Cytogenetic location: 8q24.3.
Variant type: single nucleotide variant.
Coding change: c.682C>A on transcript NM_004260.4 (MANE Select); coding-DNA position 682, C replaced by A.
Protein change: p.Leu228Ile; replaces leucine 228 with isoleucine.
Molecular consequence: missense variant.
Genome position (GRCh38, 1-based): chr8:144,516,437, G>T on the plus strand (C>A on the coding strand, the complement: RECQL4 is on the minus strand). VCF-style: chr8-144516437-G-T. GRCh37 (hg19) VCF-style: chr8-145741821-G-T.
Other names: c.682C>A (NM_004260.3); short protein forms L228I.
Identifiers: ClinVar variation 1504641 (VCV001504641.7), dbSNP rs1316434470, ClinGen allele CA372689734.

ClinVar aggregate classification (germline): Uncertain significance. Review status: criteria provided, multiple submitters, no conflicts (2 of 4 stars). 2 submissions from 2 submitters: Uncertain significance (2). Last evaluated 2025-11-03.

Conditions:
Inborn genetic diseases. Identifiers: MedGen C0950123, MeSH D030342.
Baller-Gerold syndrome (BGS). Also called: CRANIOSYNOSTOSIS WITH RADIAL DEFECTS. Identifiers: Orphanet 1225, MedGen C0265308, MONDO:0009039, OMIM 218600.

Allele frequency attached by ClinVar (database versions not stated): gnomAD exomes below 0.00001.
gnomAD v4.1: 33 of 1,608,944 alleles (0.0021%); highest among the groups gnomAD compares: Non-Finnish European, 0.0028%; no homozygotes.

Submissions (2):

Labcorp Genetics (formerly Invitae), Labcorp
Classification: Uncertain significance for Baller-Gerold syndrome. Last evaluated: 2025-11-03. Review status: criteria provided, single submitter. Criteria: Invitae Variant Classification Sherloc (09022015). Collection method: clinical testing. Allele origin: germline.
Comment: This sequence change replaces leucine, which is neutral and non-polar, with isoleucine, which is neutral and non-polar, at codon 228 of the RECQL4 protein (p.Leu228Ile). The frequency data for this variant in the population databases is considered unreliable, as metrics indicate poor data quality at this position in the gnomAD database. This variant has not been reported in the literature in individuals affected with RECQL4-related conditions. ClinVar contains an entry for this variant (Variation ID: 1504641). Experimental studies and prediction algorithms are not available or were not evaluated, and the functional significance of this variant is currently unknown. In summary, the available evidence is currently insufficient to determine the role of this variant in disease. Therefore, it has been classified as a Variant of Uncertain Significance.

Ambry Genetics
Classification: Uncertain significance for Inborn genetic diseases. Last evaluated: 2025-01-27. Review status: criteria provided, single submitter. Criteria: Ambry Variant Classification Scheme 2023. Collection method: clinical testing. Allele origin: germline.
Comment: The p.L228I variant (also known as c.682C>A), located in coding exon 5 of the RECQL4 gene, results from a C to A substitution at nucleotide position 682. The leucine at codon 228 is replaced by isoleucine, an amino acid with highly similar properties. This amino acid position is conserved. In addition, this alteration is predicted to be tolerated by in silico analysis. Based on the available evidence, the clinical significance of this variant remains unclear.